The following is an entry in ClinVar:

ClinVar aggregate classification (germline): Conflicting classifications of pathogenicity. Review status: criteria provided, conflicting classifications (1 of 4 stars). 3 submissions from 3 submitters: Uncertain significance (2); Likely benign (1). Last evaluated 2026-04-27.

Conditions:
Autosomal recessive limb-girdle muscular dystrophy type 2Q (LGMDR17). Also called: MUSCULAR DYSTROPHY, LIMB-GIRDLE, AUTOSOMAL RECESSIVE 17. Identifiers: Orphanet 254361, MedGen C3150989, MONDO:0013390, OMIM 613723.
Epidermolysis bullosa simplex 5B, with muscular dystrophy (EBS5B). Also called: EPIDERMOLYSIS BULLOSA SIMPLEX AND LIMB-GIRDLE MUSCULAR DYSTROPHY; Epidermolysis bullosa simplex with muscular dystrophy. Identifiers: Orphanet 257, MedGen C2931072, MONDO:0009181, OMIM 226670.
Epidermolysis bullosa simplex with nail dystrophy (EBS5D). Identifiers: MedGen C4225309, MONDO:0014661, OMIM 616487.
Epidermolysis bullosa simplex 5C, with pyloric atresia (EBS5C). Also called: PLEC-Related Epidermolysis Bullosa with Pyloric Atresia; Epidermolysis bullosa simplex with pyloric atresia; PLEC1-Related Epidermolysis Bullosa with Pyloric Atresia. Identifiers: Orphanet 158684, MedGen C2677349, MONDO:0012807, OMIM 612138.
Epidermolysis bullosa simplex, Ogna type (EBS5A). Also called: Pidermolysis bullosa simplex 5A, Ogna type; EPIDERMOLYSIS BULLOSA SIMPLEX 5A, OGNA TYPE. Identifiers: Orphanet 79401, MedGen C0432317, MONDO:0007555, OMIM 131950.

Allele frequency attached by ClinVar (database versions not stated): gnomAD 0.00001 and 0.00011; TOPMed 0.00001; gnomAD exomes 0.00017 and 0.00037; 1000 Genomes Project 30x 0.00031; 1000 Genomes Project 0.00040; ExAC 0.00078.
gnomAD v4.1: 257 of 1,560,090 alleles (0.016%); highest among the groups gnomAD compares: South Asian, 0.23%; 3 homozygotes.

Submissions (3):

Women's Health and Genetics/Laboratory Corporation of America, LabCorp
Classification: Uncertain significance. Last evaluated: 2026-04-27. Review status: criteria provided, single submitter. Criteria: LabCorp Variant Classification Summary - May 2015. Collection method: clinical testing. Allele origin: germline.
Comment: Variant summary: PLEC c.6343C>T (p.Arg2115Trp) results in a non-conservative amino acid change in the encoded protein sequence. Algorithms developed to predict the effect of missense changes on protein structure and function are either unavailable or do not agree on the potential impact of this missense change. The variant allele was found at a frequency of 0.00016 in 1560090 control chromosomes, predominantly at a frequency of 0.0023 within the South Asian subpopulation in the gnomAD database, including 3 homozygotes, providing supporting evidence for a benign role. However, this frequency is not significantly higher than estimated for disease-causing variants in PLEC, allowing no conclusion about variant significance. To our knowledge, no occurrence of c.6343C>T in individuals affected with PLEC-related conditions and no experimental evidence demonstrating its impact on protein function have been reported. ClinVar contains an entry for this variant (Variation ID: 539036). Based on the evidence outlined above, the variant was classified as VUS-possibly benign.

Labcorp Genetics (formerly Invitae), Labcorp
Classification: Likely benign for Autosomal recessive limb-girdle muscular dystrophy type 2Q; Epidermolysis bullosa simplex, Ogna type; Epidermolysis bullosa simplex with nail dystrophy; Epidermolysis bullosa simplex 5C, with pyloric atresia; Epidermolysis bullosa simplex 5B, with muscular dystrophy. Last evaluated: 2025-09-22. Review status: criteria provided, single submitter. Criteria: Invitae Variant Classification Sherloc (09022015). Collection method: clinical testing. Allele origin: germline.

Revvity Omics, Revvity
Classification: Uncertain significance. Last evaluated: 2022-04-11. Review status: criteria provided, single submitter. Criteria: ACMG Guidelines, 2015. Collection method: clinical testing. Allele origin: germline.

NM_201384.3(PLEC):c.6262C>T (p.Arg2088Trp)

Gene: PLEC (plectin; minus strand). Cytogenetic location: 8q24.3.
Variant type: single nucleotide variant.
Coding change: c.6262C>T on transcript NM_201384.3 (MANE Select); coding-DNA position 6262, C replaced by T.
Protein change: p.Arg2088Trp; replaces arginine 2088 with tryptophan.
Molecular consequence: missense variant.
Genome position (GRCh38, 1-based): chr8:143,923,667, G>A on the plus strand (C>T on the coding strand, the complement: PLEC is on the minus strand). VCF-style: chr8-143923667-G-A. GRCh37 (hg19) VCF-style: chr8-144997835-G-A.
Other names: c.6343C>T, p.Arg2115Trp (NM_000445.5); c.6220C>T, p.Arg2074Trp (NM_201378.4); c.6196C>T, p.Arg2066Trp (NM_201379.3); c.6673C>T, p.Arg2225Trp (NM_201380.4); c.6166C>T, p.Arg2056Trp (NM_201381.3); c.6262C>T, p.Arg2088Trp (NM_201382.4); c.6274C>T, p.Arg2092Trp (NM_201383.3); short protein forms R2074W, R2115W, R2066W, R2225W, R2056W, R2088W, R2092W.
Identifiers: ClinVar variation 539036 (VCV000539036.14), dbSNP rs558683670, ClinGen allele CA4926062.
Genomic context (GRCh38, chr8:143,923,667, plus strand): 5'-GGGACTGCGCCGCCTCACGCTCCGCCTGCACCCGGGCCTCCTCCGCCTCCTCAGCCGCCC[G>A]CCGGGCCGCCTCCGCCTCGCCGCGCAGCTGGTCCAGCACGCTCTGCTCCTGCTGCAGCGT-3'
Protein context (NP_958786.1, residues 2078-2098): QLRGEAEAAR[Arg2088Trp]AAEEAEEARV